The following is an entry in ClinVar:

ClinVar aggregate classification (germline): Uncertain significance. Review status: criteria provided, multiple submitters, no conflicts (2 of 4 stars). 2 submissions from 2 submitters: Uncertain significance (2). Last evaluated 2021-07-06.

gnomAD v4.1: 12 of 1,612,428 alleles (0.00074%); highest among the groups gnomAD compares: South Asian, 0.0099%; no homozygotes.

Submissions (2):

Blueprint Genetics
Classification: Uncertain significance. Last evaluated: 2021-07-06. Review status: criteria provided, single submitter. Criteria: ACMG Guidelines, 2015. Collection method: clinical testing. Allele origin: germline.

Labcorp Genetics (formerly Invitae), Labcorp
Classification: Uncertain significance. Last evaluated: 2021-06-24. Review status: criteria provided, single submitter. Criteria: Invitae Variant Classification Sherloc (09022015). Collection method: clinical testing. Allele origin: germline.
Comment: This sequence change falls in intron 21 of the DHX38 gene. It does not directly change the encoded amino acid sequence of the DHX38 protein. It affects a nucleotide within the consensus splice site of the intron. This variant is present in population databases (rs767227558, ExAC 0.006%). This variant has not been reported in the literature in individuals with DHX38-related conditions. Nucleotide substitutions within the consensus splice site are a relatively common cause of aberrant splicing (PMID: 17576681, 9536098). Algorithms developed to predict the effect of sequence changes on RNA splicing suggest that this variant may disrupt the consensus splice site, but this prediction has not been confirmed by published transcriptional studies. In summary, the available evidence is currently insufficient to determine the role of this variant in disease. Therefore, it has been classified as a Variant of Uncertain Significance.

Literature cited by the submitters: PubMed 17576681 (cited by Labcorp Genetics (formerly Invitae), Labcorp); PubMed 9536098 (cited by Labcorp Genetics (formerly Invitae), Labcorp).

NM_014003.4(DHX38):c.2964+3G>C

Genes: DHX38 (DEAH-box helicase 38; plus strand), LOC126862391 (CDK7 strongly-dependent group 2 enhancer GRCh37_chr16:72141414-72142613; plus strand). Cytogenetic location: 16q22.2.
Variant type: single nucleotide variant.
Coding change: c.2964+3G>C on transcript NM_014003.4 (MANE Select); 3 bases into the intron after coding-DNA position 2964, G replaced by C.
Molecular consequence: intron variant.
Genome position (GRCh38, 1-based): chr16:72,107,802, G>C. VCF-style: chr16-72107802-G-C. GRCh37 (hg19) VCF-style: chr16-72141701-G-C.
Identifiers: ClinVar variation 1363937 (VCV001363937.4), dbSNP rs767227558, ClinGen allele CA8160817.